The following is an entry in ClinVar:

NM_005559.4(LAMA1):c.3290C>T (p.Thr1097Met)

Gene: LAMA1 (laminin subunit alpha 1; minus strand). Cytogenetic location: 18p11.31.
Variant type: single nucleotide variant.
Coding change: c.3290C>T on transcript NM_005559.4 (MANE Select); coding-DNA position 3290, C replaced by T.
Protein change: p.Thr1097Met; replaces threonine 1097 with methionine.
Molecular consequence: missense variant.
Genome position (GRCh38, 1-based): chr18:7,013,888, G>A on the plus strand (C>T on the coding strand, the complement: LAMA1 is on the minus strand). VCF-style: chr18-7013888-G-A. GRCh37 (hg19) VCF-style: chr18-7013887-G-A.
Other names: c.3290C>T (NM_005559.3); short protein forms T1097M.
Identifiers: ClinVar variation 1487574 (VCV001487574.5), dbSNP rs377575918, ClinGen allele CA8882341.

ClinVar aggregate classification (germline): Uncertain significance. Review status: criteria provided, multiple submitters, no conflicts (2 of 4 stars). 2 submissions from 2 submitters: Uncertain significance (2). Last evaluated 2025-12-16.

Conditions:
Inborn genetic diseases. Identifiers: MedGen C0950123, MeSH D030342.

Allele frequency attached by ClinVar (database versions not stated): gnomAD 0.00004; gnomAD exomes 0.00004 and 0.00006; ExAC 0.00008.
gnomAD v4.1: 59 of 1,612,874 alleles (0.0037%); highest among the groups gnomAD compares: South Asian, 0.031%; 1 homozygote.

Submissions (2):

Ambry Genetics
Classification: Uncertain significance for Inborn genetic diseases. Last evaluated: 2025-12-16. Review status: criteria provided, single submitter. Criteria: Ambry Variant Classification Scheme 2023. Collection method: clinical testing. Allele origin: germline.

Labcorp Genetics (formerly Invitae), Labcorp
Classification: Uncertain significance. Last evaluated: 2021-10-11. Review status: criteria provided, single submitter. Criteria: Invitae Variant Classification Sherloc (09022015). Collection method: clinical testing. Allele origin: germline.
Comment: In summary, the available evidence is currently insufficient to determine the role of this variant in disease. Therefore, it has been classified as a Variant of Uncertain Significance. Algorithms developed to predict the effect of missense changes on protein structure and function are either unavailable or do not agree on the potential impact of this missense change (SIFT: "Deleterious"; PolyPhen-2: "Probably Damaging"; Align-GVGD: "Class C0"). This variant has not been reported in the literature in individuals affected with LAMA1-related conditions. This variant is present in population databases (rs377575918, ExAC 0.05%). This sequence change replaces threonine with methionine at codon 1097 of the LAMA1 protein (p.Thr1097Met). The threonine residue is moderately conserved and there is a moderate physicochemical difference between threonine and methionine.